The following is an entry in ClinVar:

ClinVar aggregate classification (germline): Uncertain significance (1 of 4 stars; one submission).

gnomAD v4.1: 2 of 1,614,112 alleles (0.00012%); highest among the groups gnomAD compares: Middle Eastern, 0.033%; no homozygotes.

Submission:

Women's Health and Genetics/Laboratory Corporation of America, LabCorp
Classification: Uncertain significance. Last evaluated: 2025-03-26. Review status: criteria provided, single submitter. Criteria: LabCorp Variant Classification Summary - May 2015. Collection method: clinical testing. Allele origin: germline.
Comment: Variant summary: HIVEP2 c.22C>G (p.Leu8Val) results in a conservative amino acid change in the encoded protein sequence. Five of five in-silico tools predict a benign effect of the variant on protein function. The variant allele was found at a frequency of 4e-06 in 249464 control chromosomes. The available data on variant occurrences in the general population are insufficient to allow any conclusion about variant significance. To our knowledge, no occurrence of c.22C>G in individuals affected with Intellectual Disability, Autosomal Dominant 43 and no experimental evidence demonstrating its impact on protein function have been reported. No submitters have cited clinical-significance assessments for this variant to ClinVar. Based on the evidence outlined above, the variant was classified as uncertain significance.

NM_006734.4(HIVEP2):c.22C>G (p.Leu8Val)

Gene: HIVEP2 (HIVEP zinc finger 2; minus strand). Cytogenetic location: 6q24.2.
Variant type: single nucleotide variant.
Coding change: c.22C>G on transcript NM_006734.4 (MANE Select); coding-DNA position 22, C replaced by G.
Protein change: p.Leu8Val; replaces leucine 8 with valine.
Molecular consequence: missense variant.
Genome position (GRCh38, 1-based): chr6:142,774,717, G>C on the plus strand (C>G on the coding strand, the complement: HIVEP2 is on the minus strand). VCF-style: chr6-142774717-G-C. GRCh37 (hg19) VCF-style: chr6-143095854-G-C.
Other names: short protein forms L8V.
Identifiers: ClinVar variation 3895936 (VCV003895936.1).
Genomic context (GRCh38, chr6:142,774,717, plus strand): 5'-GTCTCCATCTACCTGATGCTTTATCAGTTTCTCCAGACCTTGAGGTAGCTTTTTGTCCTA[G>C]AGCTGTGTCCCCAGTGTCCATTTTGTTACACAAGGTCTTAAGTGCTAGTTCCCCTGAAAG-3'
Protein context (NP_006725.3, residues 1-18): MDTGDTA[Leu8Val]GQKATSRSGE